The following is an entry in ClinVar:

ClinVar aggregate classification (germline): Uncertain significance (1 of 4 stars; one submission).

Conditions:
Familial cancer of breast. Also called: hereditary breast carcinoma; Hereditary breast cancer; BREAST CANCER, FAMILIAL. Identifiers: Orphanet 227535, MedGen C0346153, MONDO:0016419, OMIM 114480. Disease mechanism: loss of function.

Submission:

Labcorp Genetics (formerly Invitae), Labcorp
Classification: Uncertain significance for Familial cancer of breast. Last evaluated: 2023-03-01. Review status: criteria provided, single submitter. Criteria: Invitae Variant Classification Sherloc (09022015). Collection method: clinical testing. Allele origin: germline.
Comment: In summary, the available evidence is currently insufficient to determine the role of this variant in disease. Therefore, it has been classified as a Variant of Uncertain Significance. Experimental studies are conflicting or provide insufficient evidence to determine the effect of this variant on CHEK2 function (PMID: 20713355). An algorithm developed to predict the effect of missense changes on protein structure and function (PolyPhen-2) suggests that this variant is likely to be tolerated. This variant has not been reported in the literature in individuals affected with CHEK2-related conditions. This variant is not present in population databases (gnomAD no frequency). This sequence change replaces threonine, which is neutral and polar, with alanine, which is neutral and non-polar, at codon 378 of the CHEK2 protein (p.Thr378Ala).

Literature cited by the submitters: PubMed 20713355.

NM_007194.4(CHEK2):c.1132A>G (p.Thr378Ala)

Gene: CHEK2 (checkpoint kinase 2; minus strand). Cytogenetic location: 22q12.1.
Variant type: single nucleotide variant.
Coding change: c.1132A>G on transcript NM_007194.4 (MANE Select); coding-DNA position 1132, A replaced by G.
Protein change: p.Thr378Ala; replaces threonine 378 with alanine.
Molecular consequence: missense variant.
Genome position (GRCh38, 1-based): chr22:28,695,837, T>C on the plus strand (A>G on the coding strand, the complement: CHEK2 is on the minus strand). VCF-style: chr22-28695837-T-C. GRCh37 (hg19) VCF-style: chr22-29091825-T-C.
Other names: c.1261A>G, p.Thr421Ala (NM_001005735.3); c.469A>G, p.Thr157Ala (NM_001257387.3); c.931A>G, p.Thr311Ala (NM_001349956.3); c.1045A>G, p.Thr349Ala (NM_145862.3); short protein forms T157A, T349A, T311A, T378A, T421A.
Identifiers: ClinVar variation 2800490 (VCV002800490.3), dbSNP rs1601723329, ClinGen allele CA411097003.